The following is an entry in ClinVar:

ClinVar aggregate classification (germline): Pathogenic (1 of 4 stars; one submission).

Conditions:
Familial cancer of breast. Also called: Hereditary breast cancer; hereditary breast carcinoma; BREAST CANCER, FAMILIAL. Identifiers: Orphanet 227535, MedGen C0346153, MONDO:0016419, OMIM 114480. Disease mechanism: loss of function.

Submission:

Labcorp Genetics (formerly Invitae), Labcorp
Classification: Pathogenic for Familial cancer of breast. Last evaluated: 2020-06-14. Review status: criteria provided, single submitter. Criteria: Invitae Variant Classification Sherloc (09022015). Collection method: clinical testing. Allele origin: germline.
Comment: For these reasons, this variant has been classified as Pathogenic. Loss-of-function variants in CHEK2 are known to be pathogenic (PMID: 21876083, 24713400). This variant has not been reported in the literature in individuals with CHEK2-related conditions. This variant is not present in population databases (ExAC no frequency). This sequence change creates a premature translational stop signal (p.Arg474Valfs*8) in the CHEK2 gene. It is expected to result in an absent or disrupted protein product.

Literature cited by the submitters: PubMed 21876083; PubMed 24713400.

NM_007194.4(CHEK2):c.1420del (p.Arg474fs)

Gene: CHEK2 (checkpoint kinase 2; minus strand). Cytogenetic location: 22q12.1.
Variant type: Deletion.
Coding change: c.1420del on transcript NM_007194.4 (MANE Select); coding-DNA position 1420, one base deleted (C; older notation c.1420delC).
Protein change: p.Arg474fs; shifts the reading frame from arginine 474.
Molecular consequence: frameshift variant.
Genome position (GRCh38, 1-based): chr22:28,694,073, G deleted on the plus strand (C on the coding strand, the reverse complement: CHEK2 is on the minus strand). VCF-style (leftmost placement, unchanged base first): chr22-28694072-CG-C. GRCh37 (hg19) VCF-style: chr22-29090060-CG-C.
Other names: c.1549delC, p.Arg517Valfs (NM_001005735.3); c.757delC, p.Arg253Valfs (NM_001257387.3); c.1219delC, p.Arg407Valfs (NM_001349956.3); c.1333delC, p.Arg445Valfs (NM_145862.3); short protein forms R253fs, R407fs, R445fs, R474fs, R517fs.
Identifiers: ClinVar variation 1071295 (VCV001071295.8), dbSNP rs2145785415, ClinGen allele CA2499226053.